The following is an entry in ClinVar:

ClinVar aggregate classification (germline): Uncertain significance. Review status: criteria provided, multiple submitters, no conflicts (2 of 4 stars). 2 submissions from 2 submitters: Uncertain significance (2). Last evaluated 2025-11-05.

Conditions:
Hereditary cancer-predisposing syndrome. Also called: Hereditary neoplastic syndrome; Neoplastic Syndromes, Hereditary; Tumor predisposition; Hereditary Cancer Syndrome. Identifiers: Orphanet 140162, MedGen C0027672, MeSH D009386, MONDO:0015356.
Fanconi anemia complementation group J. Also called: BRIP1-Related Fanconi Anemia. Identifiers: Orphanet 84, MedGen C1836860, MONDO:0012187, OMIM 609054.
Familial cancer of breast. Also called: BREAST CANCER, FAMILIAL; Hereditary breast cancer; hereditary breast carcinoma. Identifiers: Orphanet 227535, MedGen C0346153, MONDO:0016419, OMIM 114480. Disease mechanism: loss of function.

Submissions (2):

Labcorp Genetics (formerly Invitae), Labcorp
Classification: Uncertain significance for Familial cancer of breast; Fanconi anemia complementation group J. Last evaluated: 2025-11-05. Review status: criteria provided, single submitter. Criteria: Invitae Variant Classification Sherloc (09022015). Collection method: clinical testing. Allele origin: germline.
Comment: This sequence change replaces cysteine, which is neutral and slightly polar, with phenylalanine, which is neutral and non-polar, at codon 298 of the BRIP1 protein (p.Cys298Phe). This variant is not present in population databases (gnomAD no frequency). This variant has not been reported in the literature in individuals affected with BRIP1-related conditions. ClinVar contains an entry for this variant (Variation ID: 483202). Invitae Evidence Modeling of protein sequence and biophysical properties (such as structural, functional, and spatial information, amino acid conservation, physicochemical variation, residue mobility, and thermodynamic stability) has been performed for this missense variant. However, the output from this modeling did not meet the statistical confidence thresholds required to predict the impact of this variant on BRIP1 protein function. In summary, the available evidence is currently insufficient to determine the role of this variant in disease. Therefore, it has been classified as a Variant of Uncertain Significance.

Ambry Genetics
Classification: Uncertain significance for Hereditary cancer-predisposing syndrome. Last evaluated: 2017-06-13. Review status: criteria provided, single submitter. Criteria: Ambry Variant Classification Scheme 2023. Collection method: clinical testing. Allele origin: germline.
Comment: The p.C298F variant (also known as c.893G>T), located in coding exon 6 of the BRIP1 gene, results from a G to T substitution at nucleotide position 893. The cysteine at codon 298 is replaced by phenylalanine, an amino acid with highly dissimilar properties. This amino acid position is highly conserved in available vertebrate species. In addition, this alteration is predicted to be deleterious by in silico analysis. Since supporting evidence is limited at this time, the clinical significance of this alteration remains unclear.

NM_032043.3(BRIP1):c.893G>T (p.Cys298Phe)

Gene: BRIP1 (BRCA1 interacting DNA helicase 1; minus strand). Cytogenetic location: 17q23.2.
Variant type: single nucleotide variant.
Coding change: c.893G>T on transcript NM_032043.3 (MANE Select); coding-DNA position 893, G replaced by T.
Protein change: p.Cys298Phe; replaces cysteine 298 with phenylalanine.
Molecular consequence: missense variant.
Genome position (GRCh38, 1-based): chr17:61,808,492, C>A on the plus strand (G>T on the coding strand, the complement: BRIP1 is on the minus strand). VCF-style: chr17-61808492-C-A. GRCh37 (hg19) VCF-style: chr17-59885853-C-A.
Other names: short protein forms C298F.
Identifiers: ClinVar variation 483202 (VCV000483202.6), dbSNP rs1555609140, ClinGen allele CA400484690.
Genomic context (GRCh38, chr17:61,808,492, plus strand): 5'-TTATTTTTTCTCTAACACAAAATAACTTTACTCACGTTTTTCCCATCTAGCAATTCCATG[C>A]ACTTCTCATTTCTGTTGAAGTTACCGACTACCTCAGGATGGACACAAGTATGATCCCTGC-3'
Protein context (NP_114432.2, residues 288-308): VVGNFNRNEK[Cys298Phe]MELLDGKNGK